The following is an entry in ClinVar:

NM_152641.4(ARID2):c.2017G>A (p.Gly673Ser)

Gene: ARID2 (AT-rich interaction domain 2; plus strand). Cytogenetic location: 12q12.
Variant type: single nucleotide variant.
Coding change: c.2017G>A on transcript NM_152641.4 (MANE Select); coding-DNA position 2017, G replaced by A.
Protein change: p.Gly673Ser; replaces glycine 673 with serine.
Molecular consequence: missense variant.
Genome position (GRCh38, 1-based): chr12:45,850,140, G>A. VCF-style: chr12-45850140-G-A. GRCh37 (hg19) VCF-style: chr12-46243923-G-A.
Other names: c.2017G>A, p.Gly673Ser (NM_001347839.2); short protein forms G673S.
Identifiers: ClinVar variation 2630566 (VCV002630566.1), dbSNP rs1943518129, ClinGen allele CA384470264.

ClinVar aggregate classification (germline): Uncertain significance (1 of 4 stars; one submission).

Conditions:
ARID2-related disorder. Also called: ARID2-related condition.

Submission:

PreventionGenetics, part of Exact Sciences
Classification: Uncertain significance for ARID2-related condition. Last evaluated: 2023-03-29. Review status: criteria provided, single submitter. Criteria: ACMG Guidelines, 2015. Collection method: clinical testing. Allele origin: germline.
Comment: The ARID2 c.2017G>A variant is predicted to result in the amino acid substitution p.Gly673Ser. To our knowledge, this variant has not been reported in the literature or in a large population database, indicating this variant is rare. At this time, the clinical significance of this variant is uncertain due to the absence of conclusive functional and genetic evidence.